The following is an entry in ClinVar:

NM_001252102.2(KIF21B):c.2748del (p.Trp916fs)

Gene: KIF21B (kinesin family member 21B; minus strand). Cytogenetic location: 1q32.1.
Variant type: Deletion.
Coding change: c.2748del on transcript NM_001252102.2 (MANE Select); coding-DNA position 2748, one base deleted (G; older notation c.2748delG).
Protein change: p.Trp916fs; shifts the reading frame from tryptophan 916.
Molecular consequence: frameshift variant.
Genome position (GRCh38, 1-based): chr1:200,990,663, C deleted on the plus strand (G on the coding strand, the reverse complement: KIF21B is on the minus strand); the first of 2 consecutive C bases (chr1:200,990,663-200,990,664); deleting either gives the same sequence. VCF-style (leftmost placement, unchanged base first): chr1-200990662-GC-G. GRCh37 (hg19) VCF-style: chr1-200959790-GC-G.
Other names: c.2748del, p.Trp916fs (NM_001252100.2, NM_001252103.2, NM_017596.4); short protein forms W916fs.
Identifiers: ClinVar variation 3364246 (VCV003364246.1).

ClinVar aggregate classification (germline): Uncertain significance (1 of 4 stars; one submission).

Submission:

GeneDx
Classification: Uncertain significance. Last evaluated: 2023-11-16. Review status: criteria provided, single submitter. Criteria: GeneDx Variant Classification Process June 2021. Collection method: clinical testing. Allele origin: germline. Affected: yes.
Comment: Not observed at significant frequency in large population cohorts (gnomAD); Frameshift variant predicted to result in protein truncation or nonsense mediated decay in a gene or region of a gene for which loss of function is not a well-established mechanism of disease; Has not been previously published as pathogenic or benign to our knowledge